The following is an entry in ClinVar:

ClinVar aggregate classification (germline): Uncertain significance. Review status: criteria provided, single submitter (1 of 4 stars). 2 submissions from 2 submitters: Uncertain significance (1). 1 of the submissions does not count toward it. Last evaluated 2022-10-24.

Conditions:
Ehlers-Danlos syndrome, dermatosparaxis type. Also called: Dermatosparaxis; EDS VIIC; Ehlers-Danlos syndrome, type VII, autosomal recessive. Identifiers: Orphanet 1901, MedGen C2700425, MONDO:0009161, OMIM 225410.

Allele frequency attached by ClinVar (database versions not stated): ExAC below 0.00001.
gnomAD v4.1: 2 of 1,554,692 alleles (0.00013%); highest among the groups gnomAD compares: Middle Eastern, 0.017%; no homozygotes.

Submissions (2):

Labcorp Genetics (formerly Invitae), Labcorp
Classification: Uncertain significance for Ehlers-Danlos syndrome, dermatosparaxis type. Last evaluated: 2022-10-24. Review status: criteria provided, single submitter. Criteria: Invitae Variant Classification Sherloc (09022015). Collection method: clinical testing. Allele origin: germline.
Comment: In summary, the available evidence is currently insufficient to determine the role of this variant in disease. Therefore, it has been classified as a Variant of Uncertain Significance. Algorithms developed to predict the effect of sequence changes on RNA splicing suggest that this variant may create or strengthen a splice site. ClinVar contains an entry for this variant (Variation ID: 967939). This variant has not been reported in the literature in individuals affected with ADAMTS2-related conditions. This variant is not present in population databases (gnomAD no frequency). This sequence change falls in intron 19 of the ADAMTS2 gene. It does not directly change the encoded amino acid sequence of the ADAMTS2 protein.

Natera, Inc.
Classification: Uncertain significance for Ehlers-Danlos syndrome type VIIC. Last evaluated: 2021-03-13. Review status: no assertion criteria provided. Collection method: clinical testing. Allele origin: germline. Not counted in ClinVar's aggregate classification.

NM_014244.5(ADAMTS2):c.2959-7C>G

Gene: ADAMTS2 (ADAM metallopeptidase with thrombospondin type 1 motif 2; minus strand). Cytogenetic location: 5q35.3.
Variant type: single nucleotide variant.
Coding change: c.2959-7C>G on transcript NM_014244.5 (MANE Select); 7 bases into the intron before coding-DNA position 2959, C replaced by G.
Molecular consequence: intron variant.
Genome position (GRCh38, 1-based): chr5:179,122,780, G>C on the plus strand (C>G on the coding strand, the complement: ADAMTS2 is on the minus strand). VCF-style: chr5-179122780-G-C. GRCh37 (hg19) VCF-style: chr5-178549781-G-C.
Identifiers: ClinVar variation 967939 (VCV000967939.12), dbSNP rs748783596, ClinGen allele CA3595343.